The following is an entry in ClinVar:

ClinVar aggregate classification (germline): Benign/Likely benign. Review status: criteria provided, multiple submitters, no conflicts (2 of 4 stars). 3 submissions from 2 submitters: Benign (2); Likely benign (1). Last evaluated 2019-06-21.

Conditions:
Holoprosencephaly 7 (HPE7). Identifiers: Orphanet 2162, MedGen C1835820, MONDO:0012562, OMIM 610828.
Gorlin syndrome. Also called: Basal cell nevus syndrome; Nevoid Basal Cell Carcinoma Syndrome. Identifiers: Orphanet 377, MedGen C0004779, MONDO:0007187.

Allele frequency attached by ClinVar (database versions not stated): gnomAD 0.01317 and 0.01417; 1000 Genomes Project 0.01318; 1000 Genomes Project 30x 0.01468; TOPMed 0.01497.

Submissions (3):

GeneDx
Classification: Likely benign. Last evaluated: 2019-06-21. Review status: criteria provided, single submitter. Criteria: GeneDx Variant Classification Process June 2021. Collection method: clinical testing. Allele origin: germline. Affected: yes.

Illumina Laboratory Services, Illumina
Classification: Benign for Holoprosencephaly 7. Last evaluated: 2018-01-13. Review status: criteria provided, single submitter. Criteria: ICSL Variant Classification Criteria 13 December 2019. Collection method: clinical testing. Allele origin: germline.
Comment: This variant was observed in the ICSL laboratory as part of a predisposition screen in an ostensibly healthy population. It had not been previously curated by ICSL or reported in the Human Gene Mutation Database (HGMD: prior to June 1st, 2018), and was therefore a candidate for classification through an automated scoring system. Utilizing variant allele frequency, disease prevalence and penetrance estimates, and inheritance mode, an automated score was calculated to assess if this variant is too frequent to cause the disease. Based on the score and internal cut-off values, a variant classified as benign is not then subjected to further curation. The score for this variant resulted in a classification of benign for this disease.

Illumina Laboratory Services, Illumina
Classification: Benign for Basal cell nevus syndrome 1. Last evaluated: 2018-01-13. Review status: criteria provided, single submitter. Criteria: ICSL Variant Classification Criteria 13 December 2019. Collection method: clinical testing. Allele origin: germline.
Comment: the same text as in the submission from Illumina Laboratory Services, Illumina above.

NM_000264.5(PTCH1):c.*1545T>C

Gene: PTCH1 (patched 1; minus strand). Cytogenetic location: 9q22.32.
Variant type: single nucleotide variant.
Coding change: c.*1545T>C on transcript NM_000264.5 (MANE Select); 1545 bases downstream of the stop codon, T replaced by C.
Molecular consequence: 3 prime UTR variant. On other transcripts: non-coding transcript variant (1).
Genome position (GRCh38, 1-based): chr9:95,444,848, A>G on the plus strand (T>C on the coding strand, the complement: PTCH1 is on the minus strand). VCF-style: chr9-95444848-A-G. GRCh37 (hg19) VCF-style: chr9-98207130-A-G.
Other names: c.*1545T>C (NM_001083602.3, NM_001083603.3, NM_001083604.3 and 4 more transcripts).
Identifiers: ClinVar variation 367643 (VCV000367643.7), dbSNP rs113253600, ClinGen allele CA10634176.
Genomic context (GRCh38, chr9:95,444,848, plus strand): 5'-CCGACACTGGGTGCTTCCCTGACATGTGCTGGTCTCTGGTTACGAGATGAGGGAGCCCAC[A>G]CCTCAGAGCAAAAGAAGAGAACCAGTACAGAAGCAACTTTTAAAAATATGCCTGGTTGAG-3'